The following is an entry in ClinVar:

ClinVar aggregate classification (germline): Uncertain significance. Review status: criteria provided, multiple submitters, no conflicts (2 of 4 stars). 2 submissions from 2 submitters: Uncertain significance (2). Last evaluated 2025-05-09.

gnomAD v4.1: 1 of 1,614,074 alleles (0.000062%); highest among the groups gnomAD compares: Non-Finnish European, 0.000085%; no homozygotes.

Submissions (2):

GeneDx
Classification: Uncertain significance. Last evaluated: 2025-05-09. Review status: criteria provided, single submitter. Criteria: GeneDx Variant Classification Process June 2021. Collection method: clinical testing. Allele origin: germline.
Comment: Not observed at significant frequency in large population cohorts (gnomAD); In silico analysis supports that this missense variant has a deleterious effect on protein structure/function; Has not been previously published as pathogenic or benign to our knowledge

Blueprint Genetics
Classification: Uncertain significance. Last evaluated: 2022-02-11. Review status: criteria provided, single submitter. Criteria: ACMG Guidelines, 2015. Collection method: clinical testing. Allele origin: germline.

NM_001288705.3(CSF1R):c.689A>G (p.Asp230Gly)

Genes: CSF1R (colony stimulating factor 1 receptor; minus strand), LOC111188154 (RORalpha allelically-responsive CSF1R enhancer; plus strand). Cytogenetic location: 5q32.
Variant type: single nucleotide variant.
Coding change: c.689A>G on transcript NM_001288705.3 (MANE Select); coding-DNA position 689, A replaced by G.
Protein change: p.Asp230Gly; replaces aspartic acid 230 with glycine.
Molecular consequence: missense variant. On other transcripts: non-coding transcript variant (2).
Genome position (GRCh38, 1-based): chr5:150,078,152, T>C on the plus strand (A>G on the coding strand, the complement: CSF1R is on the minus strand). VCF-style: chr5-150078152-T-C. GRCh37 (hg19) VCF-style: chr5-149457715-T-C.
Other names: c.689A>G, p.Asp230Gly (NM_001349736.2, NM_001375320.1, NM_005211.4); c.245A>G, p.Asp82Gly (NM_001375321.1); short protein forms D230G, D82G.
Identifiers: ClinVar variation 3369624 (VCV003369624.2).
Genomic context (GRCh38, chr5:150,078,152, plus strand): 5'-TGTGATCTGCAGGGACTGACCTTGGTGTTGTTGTGTTGGAGGAAGACATCAAAGTTAACA[T>C]CAACGCTGCTGGCTGAGCACACGATCTGGGCAGCCTCCCCTCGAATCCGCACCAGCTCTG-3'
Protein context (NP_001275634.1, residues 220-240): AQIVCSASSV[Asp230Gly]VNFDVFLQHN